The following is an entry in ClinVar:

ClinVar aggregate classification (germline): Likely benign. Review status: reviewed by expert panel (3 of 4 stars). 5 submissions from 5 submitters: Likely benign (1). 4 of the submissions do not count toward it. Last evaluated 2017-06-29.

Conditions:
Hereditary breast ovarian cancer syndrome. Also called: Hereditary breast and ovarian cancer; Hereditary breast and ovarian cancer syndrome; Breast and ovarian cancer; Hereditary breast and ovarian cancer syndrome (HBOC); Hereditary breast and/or ovarian cancer syndrome; BRCA1- and BRCA2-Associated Hereditary Breast and Ovarian Cancer. Identifiers: Orphanet 145, MedGen C0677776, MeSH D061325, MONDO:0003582. Disease mechanism: loss of function.
Hereditary cancer-predisposing syndrome. Also called: Hereditary Cancer Syndrome; Neoplastic Syndromes, Hereditary; Tumor predisposition; Hereditary neoplastic syndrome. Identifiers: Orphanet 140162, MedGen C0027672, MeSH D009386, MONDO:0015356.
Breast-ovarian cancer, familial, susceptibility to, 2 (BROVCA2). Also called: BRCA2 Hereditary Breast and Ovarian Cancer. Identifiers: Orphanet 145, MedGen C2675520, MONDO:0012933, OMIM 612555. Disease mechanism: loss of function.

Allele frequency attached by ClinVar (database versions not stated): gnomAD exomes below 0.00001; ExAC 0.00001; gnomAD 0.00001; TOPMed 0.00001; ESP Exome Variant Server 0.00008.
gnomAD v4.1: 4 of 1,607,446 alleles (0.00025%); highest among the groups gnomAD compares: African/African-American, 0.0027%; no homozygotes.

Submissions (5):

Evidence-based Network for the Interpretation of Germline Mutant Alleles (ENIGMA)
Classification: Likely benign for Breast-ovarian cancer, familial, susceptibility to, 2. Last evaluated: 2017-06-29. Review status: reviewed by expert panel. Criteria: ENIGMA BRCA1/2 Classification Criteria (2017-06-29). Collection method: curation. Allele origin: germline.
Comment: Synonymous substitution variant, with low bioinformatic likelihood to result in a splicing aberration (Splicing prior probability 0.02).

Labcorp Genetics (formerly Invitae), Labcorp
Classification: Likely benign for Hereditary breast ovarian cancer syndrome. Last evaluated: 2025-05-05. Review status: criteria provided, single submitter. Criteria: Invitae Variant Classification Sherloc (09022015). Collection method: clinical testing. Allele origin: germline. Not counted in ClinVar's aggregate classification.

All of Us Research Program, National Institutes of Health
Classification: Likely benign for Breast-ovarian cancer, familial, susceptibility to, 2. Last evaluated: 2023-11-02. Review status: criteria provided, single submitter. Criteria: ACMG Guidelines, 2015. Collection method: clinical testing. Allele origin: germline. Inheritance: Autosomal dominant inheritance. Observed: 1 variant allele, 1 heterozygote. Not counted in ClinVar's aggregate classification.
Comment: This study involves interpretation of variants in research participants for the purpose of population health screening. Participant phenotype was not available at the time of variant classification. Additional details can be found in publication PMID: 35346344, PMCID: PMC8962531

Color Diagnostics, LLC DBA Color Health
Classification: Likely benign for Hereditary cancer-predisposing syndrome. Last evaluated: 2022-05-17. Review status: criteria provided, single submitter. Criteria: ACMG Guidelines, 2015. Collection method: clinical testing. Allele origin: germline. Not counted in ClinVar's aggregate classification.

Ambry Genetics
Classification: Likely benign for Hereditary cancer-predisposing syndrome. Last evaluated: 2014-07-18. Review status: criteria provided, single submitter. Criteria: Ambry Variant Classification Scheme 2023. Collection method: clinical testing. Allele origin: germline. Not counted in ClinVar's aggregate classification.

NM_000059.4(BRCA2):c.6291G>A (p.Thr2097=)

Gene: BRCA2 (BRCA2 DNA repair associated; plus strand). Cytogenetic location: 13q13.1.
Variant type: single nucleotide variant.
Coding change: c.6291G>A on transcript NM_000059.4 (MANE Select); coding-DNA position 6291, G replaced by A.
Protein change: p.Thr2097=; no amino-acid change (threonine 2097 retained).
Molecular consequence: synonymous variant.
Genome position (GRCh38, 1-based): chr13:32,340,646, G>A. VCF-style: chr13-32340646-G-A. GRCh37 (hg19) VCF-style: chr13-32914783-G-A.
Identifiers: ClinVar variation 185754 (VCV000185754.19), dbSNP rs369340015, ClinGen allele CA023829.